The following is an entry in ClinVar:

ClinVar aggregate classification (germline): Likely benign. Review status: criteria provided, multiple submitters, no conflicts (2 of 4 stars). 2 submissions from 2 submitters: Likely benign (2). Last evaluated 2024-10-03.

Conditions:
Familial cancer of breast. Also called: Hereditary breast cancer; hereditary breast carcinoma; BREAST CANCER, FAMILIAL. Identifiers: Orphanet 227535, MedGen C0346153, MONDO:0016419, OMIM 114480. Disease mechanism: loss of function.

Submissions (2):

Myriad Genetics, Inc.
Classification: Likely benign for Familial cancer of breast. Last evaluated: 2024-10-03. Review status: criteria provided, single submitter. Criteria: Myriad Autosomal Dominant, Autosomal Recessive and X-Linked Classification Criteria (2023). Collection method: clinical testing. Allele origin: unknown.
Comment: This variant is considered likely benign. This variant is intronic and is not expected to impact mRNA splicing.

Labcorp Genetics (formerly Invitae), Labcorp
Classification: Likely benign for Familial cancer of breast. Last evaluated: 2021-11-30. Review status: criteria provided, single submitter. Criteria: Invitae Variant Classification Sherloc (09022015). Collection method: clinical testing. Allele origin: germline.

NM_007194.4(CHEK2):c.592+10T>C

Gene: CHEK2 (checkpoint kinase 2; minus strand). Cytogenetic location: 22q12.1.
Variant type: single nucleotide variant.
Coding change: c.592+10T>C on transcript NM_007194.4 (MANE Select); 10 bases into the intron after coding-DNA position 592, T replaced by C.
Molecular consequence: intron variant.
Genome position (GRCh38, 1-based): chr22:28,724,967, A>G on the plus strand (T>C on the coding strand, the complement: CHEK2 is on the minus strand). VCF-style: chr22-28724967-A-G. GRCh37 (hg19) VCF-style: chr22-29120955-A-G.
Other names: c.-72+10T>C (NM_001437942.1); c.445-44T>C (NM_001349956.3); c.592+10T>C (NM_145862.3); c.-186+10T>C (NM_001257387.3); c.685+10T>C (NM_001438295.1, NM_001438293.1); c.721+10T>C (NM_001438294.1, NM_001005735.3).
Identifiers: ClinVar variation 2182775 (VCV002182775.5), dbSNP rs2146055885, ClinGen allele CA2580099404.